The following is an entry in ClinVar:

ClinVar aggregate classification (germline): Uncertain significance. Review status: criteria provided, multiple submitters, no conflicts (2 of 4 stars). 3 submissions from 3 submitters: Uncertain significance (3). Last evaluated 2026-05-04.

Conditions:
Paediatric disorders.

Allele frequency attached by ClinVar (database versions not stated): gnomAD exomes below 0.00001; gnomAD 0.00001; TOPMed 0.00002.
gnomAD v4.1: 4 of 1,612,584 alleles (0.00025%); highest among the groups gnomAD compares: Admixed American, 0.0017%; no homozygotes.

Submissions (3):

North West Genomic Laboratory Hub, Manchester University NHS Foundation Trust
Classification: Uncertain significance for Paediatric disorders. Last evaluated: 2026-05-04. Review status: criteria provided, single submitter. Criteria: ACGS Best Practice Guidelines for Variant Classification in Rare Disease 2024. Collection method: clinical testing. Allele origin: germline. Affected: yes.
Comment: BP4_Supp

Labcorp Genetics (formerly Invitae), Labcorp
Classification: Uncertain significance. Last evaluated: 2025-02-26. Review status: criteria provided, single submitter. Criteria: Invitae Variant Classification Sherloc (09022015). Collection method: clinical testing. Allele origin: germline.
Comment: This sequence change replaces alanine, which is neutral and non-polar, with serine, which is neutral and polar, at codon 1076 of the CHD8 protein (p.Ala1076Ser). This variant is not present in population databases (gnomAD no frequency). This variant has not been reported in the literature in individuals affected with CHD8-related conditions. ClinVar contains an entry for this variant (Variation ID: 2504952). Invitae Evidence Modeling of protein sequence and biophysical properties (such as structural, functional, and spatial information, amino acid conservation, physicochemical variation, residue mobility, and thermodynamic stability) indicates that this missense variant is not expected to disrupt CHD8 protein function with a negative predictive value of 95%. In summary, the available evidence is currently insufficient to determine the role of this variant in disease. Therefore, it has been classified as a Variant of Uncertain Significance.

GeneDx
Classification: Uncertain significance. Last evaluated: 2022-12-09. Review status: criteria provided, single submitter. Criteria: GeneDx Variant Classification Process June 2021. Collection method: clinical testing. Allele origin: germline. Affected: yes.
Comment: Has not been previously published as pathogenic or benign to our knowledge; Not observed at significant frequency in large population cohorts (gnomAD); In silico analysis supports that this missense variant does not alter protein structure/function

NM_001170629.2(CHD8):c.3226G>T (p.Ala1076Ser)

Gene: CHD8 (chromodomain helicase DNA binding protein 8; minus strand). Cytogenetic location: 14q11.2.
Variant type: single nucleotide variant.
Coding change: c.3226G>T on transcript NM_001170629.2 (MANE Select); coding-DNA position 3226, G replaced by T.
Protein change: p.Ala1076Ser; replaces alanine 1076 with serine.
Molecular consequence: missense variant.
Genome position (GRCh38, 1-based): chr14:21,405,290, C>A on the plus strand (G>T on the coding strand, the complement: CHD8 is on the minus strand). VCF-style: chr14-21405290-C-A. GRCh37 (hg19) VCF-style: chr14-21873449-C-A.
Other names: c.2389G>T, p.Ala797Ser (NM_020920.4); short protein forms A1076S, A797S.
Identifiers: ClinVar variation 2504952 (VCV002504952.3), dbSNP rs959057595, ClinGen allele CA257604108.